The following is an entry in ClinVar:

ClinVar aggregate classification (germline): Uncertain significance (1 of 4 stars; one submission).

Conditions:
Familial cold autoinflammatory syndrome 2 (FCAS2). Identifiers: Orphanet 247868, MedGen C2673198, MONDO:0012724, OMIM 611762.

Submission:

Labcorp Genetics (formerly Invitae), Labcorp
Classification: Uncertain significance for Familial cold autoinflammatory syndrome 2. Last evaluated: 2025-10-17. Review status: criteria provided, single submitter. Criteria: Invitae Variant Classification Sherloc (09022015). Collection method: clinical testing. Allele origin: germline.
Comment: This variant, c.2651_2671del, results in the deletion of 7 amino acid(s) of the NLRP12 protein (p.Gln884_Asp890del), but otherwise preserves the integrity of the reading frame. This variant is present in population databases (rs756588206, gnomAD 0.01%). This variant has not been reported in the literature in individuals affected with NLRP12-related conditions. Experimental studies and prediction algorithms are not available or were not evaluated, and the functional significance of this variant is currently unknown. In summary, the available evidence is currently insufficient to determine the role of this variant in disease. Therefore, it has been classified as a Variant of Uncertain Significance.

NM_144687.4(NLRP12):c.2651_2671del (p.Gln884_Asp890del)

Gene: NLRP12 (NLR family pyrin domain containing 12; minus strand). Cytogenetic location: 19q13.42.
Variant type: Deletion.
Coding change: c.2651_2671del on transcript NM_144687.4 (MANE Select); coding-DNA positions 2651 to 2671, 21 bases deleted (AGAGCCTGAGAGAGCTGGACC).
Protein change: p.Gln884_Asp890del.
Genome position (GRCh38, 1-based): chr19:53,801,312-53,801,332, GGTCCAGCTCTCTCAGGCTCT deleted on the plus strand (AGAGCCTGAGAGAGCTGGACC on the coding strand, the reverse complement: NLRP12 is on the minus strand); deleting any 21 consecutive bases within chr19:53,801,312-53,801,335 gives the same sequence; the c. name uses the placement nearest the transcript's 3' end. VCF-style (leftmost placement, unchanged base first): chr19-53801311-AGGTCCAGCTCTCTCAGGCTCT-A. GRCh37 (hg19) VCF-style: chr19-54304565-AGGTCCAGCTCTCTCAGGCTCT-A.
Other names: c.2654_2674del, p.Gln885_Asp891del (NM_001277126.2); c.2651_2671del, p.Gln884_Asp890del (NM_001277129.1).
Identifiers: ClinVar variation 4799129 (VCV004799129.1).
Genomic context (GRCh38, chr19:53,801,311, plus strand): 5'-GGATGCCTGAGGCCCTCACACAGCAGCAGCACCCCGAGGTCCCCCAGCTCATTCAGGCTC[AGGTCCAGCTCTCTCAGGCTCT>A]GGTTCACACTGAGAGTTGAGGCCAGCTCGTCACAGGCAGCAGCAGTGAGGCGGCAGATCT-3'